The following is an entry in ClinVar:

ClinVar aggregate classification (germline): Uncertain significance. Review status: criteria provided, multiple submitters, no conflicts (2 of 4 stars). 4 submissions from 4 submitters: Uncertain significance (4). Last evaluated 2025-08-21.

Conditions:
Hereditary cancer-predisposing syndrome. Also called: Tumor predisposition; Hereditary Cancer Syndrome; Hereditary neoplastic syndrome; Neoplastic Syndromes, Hereditary. Identifiers: Orphanet 140162, MedGen C0027672, MeSH D009386, MONDO:0015356.
Neurofibromatosis, familial spinal (FSNF). Identifiers: Orphanet 636, MedGen C1834235, MONDO:0008078, OMIM 162210. Disease mechanism: loss of function.
Neurofibromatosis, type 1 (NF1). Also called: VON RECKLINGHAUSEN DISEASE; NEUROFIBROMATOSIS, TYPE I, SOMATIC; Peripheral type neurofibromatosis; Neurofibromatosis, type I. Identifiers: Orphanet 636, MedGen C0027831, MONDO:0018975, OMIM 162200. Disease mechanism: loss of function.
Neurofibromatosis-Noonan syndrome (NFNS). Also called: NEUROFIBROMATOSIS WITH NOONAN PHENOTYPE. Identifiers: Orphanet 638, MedGen C2931482, MONDO:0011035, OMIM 601321. Disease mechanism: loss of function.
Café-au-lait macules with pulmonary stenosis (WTSN). Also called: PULMONIC STENOSIS WITH CAFE-AU-LAIT SPOTS. Identifiers: MedGen C0553586, MONDO:0008672, OMIM 193520.
Juvenile myelomonocytic leukemia (JMML). Also called: LEUKEMIA, JUVENILE MYELOMONOCYTIC, SOMATIC. Identifiers: Orphanet 86834, MedGen C0349639, MONDO:0011908, OMIM 607785, HP:0012209.

Allele frequency attached by ClinVar (database versions not stated): gnomAD exomes 0.00001 and 0.00002; ExAC 0.00003.
gnomAD v4.1: 3 of 1,611,900 alleles (0.00019%); highest among the groups gnomAD compares: Non-Finnish European, 0.00025%; no homozygotes.

Submissions (4):

Labcorp Genetics (formerly Invitae), Labcorp
Classification: Uncertain significance for Neurofibromatosis, type 1. Last evaluated: 2025-08-21. Review status: criteria provided, single submitter. Criteria: Invitae Variant Classification Sherloc (09022015). Collection method: clinical testing. Allele origin: germline.
Comment: This sequence change replaces valine, which is neutral and non-polar, with methionine, which is neutral and non-polar, at codon 820 of the NF1 protein (p.Val820Met). This variant is present in population databases (rs761408020, gnomAD 0.004%). This variant has not been reported in the literature in individuals affected with NF1-related conditions. ClinVar contains an entry for this variant (Variation ID: 185170). Invitae Evidence Modeling of protein sequence and biophysical properties (such as structural, functional, and spatial information, amino acid conservation, physicochemical variation, residue mobility, and thermodynamic stability) indicates that this missense variant is not expected to disrupt NF1 protein function with a negative predictive value of 95%. In summary, the available evidence is currently insufficient to determine the role of this variant in disease. Therefore, it has been classified as a Variant of Uncertain Significance.

Genome-Nilou Lab
Classification: Uncertain significance for Neurofibromatosis, type 1. Last evaluated: 2022-03-15. Review status: criteria provided, single submitter. Criteria: ACMG Guidelines, 2015. Collection method: clinical testing. Allele origin: germline. Affected: no.

Fulgent Genetics
Classification: Uncertain significance for Neurofibromatosis, type 1; Neurofibromatosis, familial spinal; Café-au-lait macules with pulmonary stenosis; Neurofibromatosis-Noonan syndrome; Juvenile myelomonocytic leukemia. Last evaluated: 2022-02-10. Review status: criteria provided, single submitter. Criteria: ACMG Guidelines, 2015. Collection method: clinical testing. Allele origin: unknown.

Ambry Genetics
Classification: Uncertain significance for Hereditary cancer-predisposing syndrome. Last evaluated: 2014-06-04. Review status: criteria provided, single submitter. Criteria: Ambry Autosomal Dominant and X-Linked criteria (10/2015). Collection method: clinical testing. Allele origin: germline. Observed: 1 variant allele.
Comment: The p.V820M variant (also known as c.2458G>A), located in coding exon 21 of the NF1 gene, results from a G to A substitution at nucleotide position 2458. The valine at codon 820 is replaced by methionine, an amino acid with highly similar properties. This variant was not reported in population based cohorts in the following databases: Database of Single Nucleotide Polymorphisms (dbSNP), NHLBI Exome Sequencing Project (ESP), and 1000 Genomes Project.<span style="background-color: initial;">To date, this alteration has been detected with an allele frequency of approximately 0.02% (greater than 5000 alleles tested) in our clinical cohort (includes this individual).<span style="background-color: initial;">This amino acid position is highly conserved in available vertebrate species. In addition, this alteration is predicted to be tolerated by in silico analysis.<span style="background-color: initial;">Since supporting evidence is limited at this time, the clinical significance of<span style="background-color: initial;">p.V820M<span style="background-color: initial;">remains unclear.

NM_001042492.3(NF1):c.2458G>A (p.Val820Met)

Gene: NF1 (neurofibromin 1; plus strand). Cytogenetic location: 17q11.2.
Variant type: single nucleotide variant.
Coding change: c.2458G>A on transcript NM_001042492.3 (MANE Select); coding-DNA position 2458, G replaced by A.
Protein change: p.Val820Met; replaces valine 820 with methionine.
Molecular consequence: missense variant.
Genome position (GRCh38, 1-based): chr17:31,229,073, G>A. VCF-style: chr17-31229073-G-A. GRCh37 (hg19) VCF-style: chr17-29556091-G-A.
Other names: c.2458G>A, p.Val820Met (NM_000267.4); short protein forms V820M.
Identifiers: ClinVar variation 185170 (VCV000185170.10), dbSNP rs761408020, ClinGen allele CA191219.